The following is an entry in ClinVar:

NM_001042492.3(NF1):c.2034G>A (p.Pro678=)

Gene: NF1 (neurofibromin 1; plus strand). Cytogenetic location: 17q11.2.
Variant type: single nucleotide variant.
Coding change: c.2034G>A on transcript NM_001042492.3 (MANE Select); coding-DNA position 2034, G replaced by A.
Protein change: p.Pro678=; no amino-acid change (proline 678 retained).
Molecular consequence: synonymous variant.
Genome position (GRCh38, 1-based): chr17:31,226,467, G>A. VCF-style: chr17-31226467-G-A. GRCh37 (hg19) VCF-style: chr17-29553485-G-A.
Other names: p.Pro678=; c.2034G>A, p.Pro678= (NM_000267.4).
Identifiers: ClinVar variation 183826 (VCV000183826.47), dbSNP rs2285892, ClinGen allele CA186633.

ClinVar aggregate classification (germline): Benign. Review status: criteria provided, multiple submitters, no conflicts (2 of 4 stars). 24 submissions from 19 submitters: Benign (21). 3 of the submissions do not count toward it. Last evaluated 2026-05-15.

Conditions:
Hereditary cancer-predisposing syndrome. Also called: Tumor predisposition; Neoplastic Syndromes, Hereditary; Hereditary neoplastic syndrome; Hereditary Cancer Syndrome. Identifiers: Orphanet 140162, MedGen C0027672, MeSH D009386, MONDO:0015356.
Cardiovascular phenotype. Identifiers: MedGen CN230736.
Neurofibromatosis, type 1 (NF1). Also called: NEUROFIBROMATOSIS, TYPE I, SOMATIC; Peripheral type neurofibromatosis; VON RECKLINGHAUSEN DISEASE; Neurofibromatosis, type I. Identifiers: Orphanet 636, MedGen C0027831, MONDO:0018975, OMIM 162200. Disease mechanism: loss of function.
Neurofibromatosis, familial spinal (FSNF). Identifiers: Orphanet 636, MedGen C1834235, MONDO:0008078, OMIM 162210. Disease mechanism: loss of function.
Café-au-lait macules with pulmonary stenosis (WTSN). Also called: PULMONIC STENOSIS WITH CAFE-AU-LAIT SPOTS. Identifiers: MedGen C0553586, MONDO:0008672, OMIM 193520.
Neurofibromatosis-Noonan syndrome (NFNS). Also called: NEUROFIBROMATOSIS WITH NOONAN PHENOTYPE. Identifiers: Orphanet 638, MedGen C2931482, MONDO:0011035, OMIM 601321. Disease mechanism: loss of function.

Allele frequency attached by ClinVar (database versions not stated): gnomAD exomes 0.32665 and 0.37778; ExAC 0.38273; ESP Exome Variant Server 0.41635; gnomAD 0.42711 and 0.42930; TOPMed 0.44227; 1000 Genomes Project 0.49681; 1000 Genomes Project 30x 0.50265.
gnomAD v4.1: 542,388 of 1,613,246 alleles (34%); highest among the groups gnomAD compares: African/African-American, 68%; 99,275 homozygotes.

Submissions (24):

Myriad Genetics, Inc.
Classification: Benign for Neurofibromatosis, type 1. Last evaluated: 2026-05-15. Review status: criteria provided, single submitter. Criteria: Myriad Autosomal Dominant, Autosomal Recessive and X-Linked Classification Criteria (2023). Collection method: clinical testing. Allele origin: unknown.
Comment: This variant is considered benign. This variant is a silent/synonymous amino acid change and it is not expected to impact splicing.

Labcorp Genetics (formerly Invitae), Labcorp
Classification: Benign for Neurofibromatosis, type 1. Last evaluated: 2026-02-04. Review status: criteria provided, single submitter. Criteria: Invitae Variant Classification Sherloc (09022015). Collection method: clinical testing. Allele origin: germline.

GeneKor MSA
Classification: Benign for Hereditary cancer-predisposing syndrome. Last evaluated: 2025-07-10. Review status: criteria provided, single submitter. Criteria: ACMG Guidelines, 2015. Collection method: clinical testing. Allele origin: germline.

KCCC/NGS Laboratory, Kuwait Cancer Control Center
Classification: Benign for Neurofibromatosis, type 1. Last evaluated: 2025-02-01. Review status: criteria provided, single submitter. Criteria: ACMG Guidelines, 2015. Collection method: clinical testing. Allele origin: germline. Affected: no.

Blueprint Genetics
Classification: Benign. Last evaluated: 2024-11-28. Review status: criteria provided, single submitter. Criteria: ACMG Guidelines, 2015. Collection method: clinical testing. Allele origin: germline.

KCCC/NGS Laboratory, Kuwait Cancer Control Center
Classification: Benign for Neurofibromatosis, familial spinal. Last evaluated: 2023-07-07. Review status: criteria provided, single submitter. Criteria: ACMG Guidelines, 2015. Collection method: clinical testing. Allele origin: germline. Affected: yes.

Mayo Clinic Laboratories, Mayo Clinic
Classification: Benign. Last evaluated: 2022-05-05. Review status: criteria provided, single submitter. Criteria: ACMG Guidelines, 2015. Collection method: clinical testing. Allele origin: germline. Observed: 862 variant alleles.

Genome-Nilou Lab
Classification: Benign for Neurofibromatosis, type 1. Last evaluated: 2021-09-05. Review status: criteria provided, single submitter. Criteria: ACMG Guidelines, 2015. Collection method: clinical testing. Allele origin: germline. Affected: no.

ARUP Laboratories, Molecular Genetics and Genomics, ARUP Laboratories
Classification: Benign. Last evaluated: 2021-04-07. Review status: criteria provided, single submitter. Criteria: ARUP Molecular Germline Variant Investigation Process 2021. Collection method: clinical testing. Allele origin: germline.

Illumina Laboratory Services, Illumina
Classification: Benign for Café-au-lait macules with pulmonary stenosis. Last evaluated: 2018-01-12. Review status: criteria provided, single submitter. Criteria: ICSL Variant Classification Criteria 13 December 2019. Collection method: clinical testing. Allele origin: germline.
Comment: This variant was observed in the ICSL laboratory as part of a predisposition screen in an ostensibly healthy population. It had not been previously curated by ICSL or reported in the Human Gene Mutation Database (HGMD: prior to June 1st, 2018), and was therefore a candidate for classification through an automated scoring system. Utilizing variant allele frequency, disease prevalence and penetrance estimates, and inheritance mode, an automated score was calculated to assess if this variant is too frequent to cause the disease. Based on the score and internal cut-off values, a variant classified as benign is not then subjected to further curation. The score for this variant resulted in a classification of benign for this disease.

Illumina Laboratory Services, Illumina
Classification: Benign for Neurofibromatosis-Noonan syndrome. Last evaluated: 2018-01-12. Review status: criteria provided, single submitter. Criteria: ICSL Variant Classification Criteria 13 December 2019. Collection method: clinical testing. Allele origin: germline.
Comment: the same text as in the submission from Illumina Laboratory Services, Illumina above.

Illumina Laboratory Services, Illumina
Classification: Benign for Neurofibromatosis, type 1. Last evaluated: 2018-01-12. Review status: criteria provided, single submitter. Criteria: ICSL Variant Classification Criteria 13 December 2019. Collection method: clinical testing. Allele origin: germline.
Comment: the same text as in the submission from Illumina Laboratory Services, Illumina above.

Illumina Laboratory Services, Illumina
Classification: Benign for Neurofibromatosis, familial spinal. Last evaluated: 2018-01-12. Review status: criteria provided, single submitter. Criteria: ICSL Variant Classification Criteria 13 December 2019. Collection method: clinical testing. Allele origin: germline.
Comment: the same text as in the submission from Illumina Laboratory Services, Illumina above.

Athena Diagnostics
Classification: Benign. Last evaluated: 2017-07-12. Review status: criteria provided, single submitter. Criteria: Athena Diagnostics Criteria. Collection method: clinical testing. Allele origin: germline.

Laboratory for Molecular Medicine, Mass General Brigham Personalized Medicine
Classification: Benign. Last evaluated: 2017-02-28. Review status: criteria provided, single submitter. Criteria: LMM Criteria. Collection method: clinical testing. Allele origin: germline. Observed: 358 variant alleles.
Comment: p.Pro678Pro in exon 18 of NF1: This variant is not expected to have clinical sig nificance because it does not alter an amino acid residue and is not located wit hin the splice consensus sequence. It has been identified in 30% (20030/66512) o f European chromosomes and 68% (7103/10384) of African chromosomes by the Exome Aggregation Consortium (ExAC; dbSNP rs2285892).

Women's Health and Genetics/Laboratory Corporation of America, LabCorp
Classification: Benign. Last evaluated: 2016-05-11. Review status: criteria provided, single submitter. Criteria: LabCorp Variant Classification Summary - May 2015. Collection method: clinical testing. Allele origin: germline.
Comment: Variant summary: The NF1 c.2034G>A (p.Pro678Pro) variant involves the alteration of a non-conserved nucleotide, resulting in a synonymous change. One in silico tool predicts a polymorphism outcome for this variant. 5/5 splice prediction tools predict no significant impact on normal splicing. ESE finder predicts that this variant may affect multiple ESE sites. However, these predictions have yet to be confirmed by functional studies. This variant was found in 46285/120934 control chromosomes (9925 homozygotes) at a frequency of 0.3827294, which is approximately 1837 times the estimated maximal expected allele frequency of a pathogenic NF1 variant (0.0002084), suggesting this variant is likely a benign polymorphism. In addition, one clinical diagnostic laboratory classified this variant as benign. Taken together, this variant is classified as benign.

GeneDx
Classification: Benign. Last evaluated: 2016-01-26. Review status: criteria provided, single submitter. Criteria: GeneDx Variant Classification (06012015). Collection method: clinical testing. Allele origin: germline. Affected: yes.
Comment: This variant is considered likely benign or benign based on one or more of the following criteria: it is a conservative change, it occurs at a poorly conserved position in the protein, it is predicted to be benign by multiple in silico algorithms, and/or has population frequency not consistent with disease.

Ambry Genetics
Classification: Benign for Cardiovascular phenotype; Hereditary cancer-predisposing syndrome. Last evaluated: 2014-12-11. Review status: criteria provided, single submitter. Criteria: Ambry Variant Classification Scheme 2023. Collection method: clinical testing. Allele origin: germline.

Ambry Genetics
Classification: Benign for Hereditary cancer-predisposing syndrome. Last evaluated: 2014-11-10. Review status: criteria provided, single submitter. Criteria: Ambry Autosomal Dominant and X-Linked criteria (10/2015). Collection method: clinical testing. Allele origin: germline. Observed: 1 variant allele.

Breakthrough Genomics
Classification: Benign. Review status: criteria provided, single submitter. Criteria: ACMG Guidelines, 2015. Collection method: not provided. Allele origin: germline. Inheritance: Autosomal dominant inheritance. Affected: yes.

PreventionGenetics, part of Exact Sciences
Classification: Benign. Review status: criteria provided, single submitter. Criteria: ACMG Guidelines, 2015. Collection method: clinical testing. Allele origin: germline.

Clinical Genetics DNA and cytogenetics Diagnostics Lab, Erasmus MC, Erasmus Medical Center
Classification: Benign. Review status: no assertion criteria provided. Collection method: clinical testing. Allele origin: germline. Affected: yes. Study: VKGL Data-share Consensus. Not counted in ClinVar's aggregate classification.

Diagnostic Laboratory, Department of Genetics, University Medical Center Groningen
Classification: Benign. Review status: no assertion criteria provided. Collection method: clinical testing. Allele origin: germline. Affected: yes. Study: VKGL Data-share Consensus. Not counted in ClinVar's aggregate classification.

Joint Genome Diagnostic Labs from Nijmegen and Maastricht, Radboudumc and MUMC+
Classification: Benign. Review status: no assertion criteria provided. Collection method: clinical testing. Allele origin: germline. Affected: yes. Study: VKGL Data-share Consensus. Not counted in ClinVar's aggregate classification.